The following is an entry in ClinVar:

ClinVar aggregate classification (germline): Benign/Likely benign. Review status: criteria provided, multiple submitters, no conflicts (2 of 4 stars). 10 submissions from 9 submitters: Benign (4); Likely benign (5). 1 of the submissions does not count toward it. Last evaluated 2026-05-01.

Conditions:
ACTG1-related disorder. Also called: ACTG1-related disorders; ACTG1-related condition.
Baraitser-winter syndrome 2. Identifiers: Orphanet 2995, MedGen C3281235, MONDO:0013812, OMIM 614583.
Autosomal dominant nonsyndromic hearing loss 20. Identifiers: Orphanet 90635, MedGen C1858172, MONDO:0011480, OMIM 604717.

Allele frequency attached by ClinVar (database versions not stated): 1000 Genomes Project 30x 0.00031; 1000 Genomes Project 0.00040; TOPMed 0.00046; ESP Exome Variant Server 0.00054.
gnomAD v4.1: 709 of 1,613,820 alleles (0.044%); highest among the groups gnomAD compares: Middle Eastern, 1.8%; 7 homozygotes.

Submissions (10):

CeGaT Center for Human Genetics Tuebingen
Classification: Likely benign. Last evaluated: 2026-05-01. Review status: criteria provided, single submitter. Criteria: CeGaT Center For Human Genetics Tuebingen Variant Classification Criteria Version 2. Collection method: clinical testing. Allele origin: germline. Affected: yes. Observed: 7 variant alleles.
Comment: ACTG1: BP4, BP7

Labcorp Genetics (formerly Invitae), Labcorp
Classification: Benign for Baraitser-winter syndrome 2; Autosomal dominant nonsyndromic hearing loss 20. Last evaluated: 2026-01-13. Review status: criteria provided, single submitter. Criteria: Invitae Variant Classification Sherloc (09022015). Collection method: clinical testing. Allele origin: germline.

Blueprint Genetics
Classification: Likely benign. Last evaluated: 2024-11-05. Review status: criteria provided, single submitter. Criteria: ACMG Guidelines, 2015. Collection method: clinical testing. Allele origin: germline.

Genome-Nilou Lab
Classification: Benign for Baraitser-winter syndrome 2. Last evaluated: 2021-12-05. Review status: criteria provided, single submitter. Criteria: ACMG Guidelines, 2015. Collection method: clinical testing. Allele origin: germline. Affected: no.

Genome-Nilou Lab
Classification: Benign for Autosomal dominant nonsyndromic hearing loss 20. Last evaluated: 2021-12-05. Review status: criteria provided, single submitter. Criteria: ACMG Guidelines, 2015. Collection method: clinical testing. Allele origin: germline. Affected: no.

GeneDx
Classification: Benign. Last evaluated: 2018-02-28. Review status: criteria provided, single submitter. Criteria: GeneDx Variant Classification (06012015). Collection method: clinical testing. Allele origin: germline. Affected: yes.
Comment: This variant is considered likely benign or benign based on one or more of the following criteria: it is a conservative change, it occurs at a poorly conserved position in the protein, it is predicted to be benign by multiple in silico algorithms, and/or has population frequency not consistent with disease.

Genetic Services Laboratory, University of Chicago
Classification: Likely benign. Last evaluated: 2015-07-23. Review status: criteria provided, single submitter. Criteria: ACMG Guidelines, 2015. Collection method: clinical testing. Allele origin: germline.

Laboratory for Molecular Medicine, Mass General Brigham Personalized Medicine
Classification: Likely benign. Last evaluated: 2012-04-30. Review status: criteria provided, single submitter. Criteria: LMM Criteria. Collection method: clinical testing. Allele origin: germline. Observed: 2 variant alleles.
Comment: Ala138Ala in Exon 04 of ACTG1: This variant is not expected to have clinical sig nificance because it does not alter an amino acid residue, is not located within the splice consensus sequence, and has been identified in 0.1% (3/3738) of Afri can American chromosomes from a broad population by the NHLBI Exome Sequencing P roject (dbSNP rs143978597).

Breakthrough Genomics
Classification: Likely benign. Review status: criteria provided, single submitter. Criteria: ACMG Guidelines, 2015. Collection method: not provided. Allele origin: germline. Inheritance: Autosomal dominant inheritance. Affected: yes.

PreventionGenetics, part of Exact Sciences
Classification: Likely benign for ACTG1-related condition. Last evaluated: 2019-05-07. Review status: no assertion criteria provided. Collection method: clinical testing. Allele origin: germline. Not counted in ClinVar's aggregate classification.
Comment: This variant is classified as likely benign based on ACMG/AMP sequence variant interpretation guidelines (Richards et al. 2015 PMID: 25741868, with internal and published modifications).

NM_001614.5(ACTG1):c.414C>T (p.Ala138=)

Gene: ACTG1 (actin gamma 1; minus strand). Cytogenetic location: 17q25.3.
Variant type: single nucleotide variant.
Coding change: c.414C>T on transcript NM_001614.5 (MANE Select); coding-DNA position 414, C replaced by T.
Protein change: p.Ala138=; no amino-acid change (alanine 138 retained).
Molecular consequence: synonymous variant. On other transcripts: non-coding transcript variant (1).
Genome position (GRCh38, 1-based): chr17:81,511,576, G>A on the plus strand (C>T on the coding strand, the complement: ACTG1 is on the minus strand). VCF-style: chr17-81511576-G-A. GRCh37 (hg19) VCF-style: chr17-79478602-G-A.
Other names: c.414C>T, p.Ala138= (NM_001199954.3).
Identifiers: ClinVar variation 128271 (VCV000128271.46), dbSNP rs143978597, ClinGen allele CA182041.